The following is an entry in ClinVar:

NM_020779.4(WDR35):c.197C>T (p.Thr66Ile)

Gene: WDR35 (WD repeat domain 35; minus strand). Cytogenetic location: 2p24.1.
Variant type: single nucleotide variant.
Coding change: c.197C>T on transcript NM_020779.4 (MANE Select); coding-DNA position 197, C replaced by T.
Protein change: p.Thr66Ile; replaces threonine 66 with isoleucine.
Molecular consequence: missense variant.
Genome position (GRCh38, 1-based): chr2:19,982,480, G>A on the plus strand (C>T on the coding strand, the complement: WDR35 is on the minus strand). VCF-style: chr2-19982480-G-A. GRCh37 (hg19) VCF-style: chr2-20182241-G-A.
Other names: c.197C>T (NM_001006657.1); c.197C>T, p.Thr66Ile (NM_001006657.2); short protein forms T66I.
Identifiers: ClinVar variation 1392799 (VCV001392799.8), dbSNP rs143397737, ClinGen allele CA1543609.

ClinVar aggregate classification (germline): Uncertain significance. Review status: criteria provided, multiple submitters, no conflicts (2 of 4 stars). 2 submissions from 2 submitters: Uncertain significance (2). Last evaluated 2024-01-31.

Conditions:
Cranioectodermal dysplasia 2 (CED2). Identifiers: Orphanet 1515, MedGen C3150874, MONDO:0013323, OMIM 613610.
Short-rib thoracic dysplasia 7 with or without polydactyly (SRTD7). Also called: SHORT-RIB THORACIC DYSPLASIA 7 WITH POLYDACTYLY; Short rib polydactyly syndrome 5. Identifiers: Orphanet 498497, Orphanet 93271, MedGen C3279792, MONDO:0013569, OMIM 614091.
Inborn genetic diseases. Identifiers: MedGen C0950123, MeSH D030342.

Allele frequency attached by ClinVar (database versions not stated): ExAC 0.00001; gnomAD 0.00003; gnomAD exomes 0.00003; TOPMed 0.00005; ESP Exome Variant Server 0.00008.
gnomAD v4.1: 46 of 1,613,716 alleles (0.0029%); highest among the groups gnomAD compares: Admixed American, 0.017%; no homozygotes.

Submissions (2):

Ambry Genetics
Classification: Uncertain significance for Inborn genetic diseases. Last evaluated: 2024-01-31. Review status: criteria provided, single submitter. Criteria: Ambry Variant Classification Scheme 2023. Collection method: clinical testing. Allele origin: germline.

Labcorp Genetics (formerly Invitae), Labcorp
Classification: Uncertain significance for Cranioectodermal dysplasia 2; Short-rib thoracic dysplasia 7 with or without polydactyly. Last evaluated: 2022-03-26. Review status: criteria provided, single submitter. Criteria: Invitae Variant Classification Sherloc (09022015). Collection method: clinical testing. Allele origin: germline.
Comment: This sequence change replaces threonine, which is neutral and polar, with isoleucine, which is neutral and non-polar, at codon 66 of the WDR35 protein (p.Thr66Ile). In summary, the available evidence is currently insufficient to determine the role of this variant in disease. Therefore, it has been classified as a Variant of Uncertain Significance. Algorithms developed to predict the effect of missense changes on protein structure and function are either unavailable or do not agree on the potential impact of this missense change (SIFT: "Deleterious"; PolyPhen-2: "Benign"; Align-GVGD: "Class C0"). This variant has not been reported in the literature in individuals affected with WDR35-related conditions. This variant is present in population databases (rs143397737, gnomAD 0.02%).